The following is an entry in ClinVar:

ClinVar aggregate classification (germline): Uncertain significance (1 of 4 stars; one submission).

Conditions:
Early Myoclonic Encephalopathy. Identifiers: MedGen C0270855.

Allele frequency attached by ClinVar (database versions not stated): gnomAD exomes below 0.00001.
gnomAD v4.1: 1 of 1,613,646 alleles (0.000062%); highest among the groups gnomAD compares: Non-Finnish European, 0.000085%; no homozygotes.

Submission:

Labcorp Genetics (formerly Invitae), Labcorp
Classification: Uncertain significance for Early Myoclonic Encephalopathy. Last evaluated: 2023-10-13. Review status: criteria provided, single submitter. Criteria: Invitae Variant Classification Sherloc (09022015). Collection method: clinical testing. Allele origin: germline.
Comment: This sequence change replaces serine, which is neutral and polar, with cysteine, which is neutral and slightly polar, at codon 468 of the KCND2 protein (p.Ser468Cys). This variant is not present in population databases (gnomAD no frequency). This variant has not been reported in the literature in individuals affected with KCND2-related conditions. Advanced modeling of protein sequence and biophysical properties (such as structural, functional, and spatial information, amino acid conservation, physicochemical variation, residue mobility, and thermodynamic stability) performed at Invitae indicates that this missense variant is not expected to disrupt KCND2 protein function. In summary, the available evidence is currently insufficient to determine the role of this variant in disease. Therefore, it has been classified as a Variant of Uncertain Significance.

NM_012281.3(KCND2):c.1402A>T (p.Ser468Cys)

Gene: KCND2 (potassium voltage-gated channel subfamily D member 2; plus strand). Cytogenetic location: 7q31.31.
Variant type: single nucleotide variant.
Coding change: c.1402A>T on transcript NM_012281.3 (MANE Select); coding-DNA position 1402, A replaced by T.
Protein change: p.Ser468Cys; replaces serine 468 with cysteine.
Molecular consequence: missense variant.
Genome position (GRCh38, 1-based): chr7:120,742,537, A>T. VCF-style: chr7-120742537-A-T. GRCh37 (hg19) VCF-style: chr7-120382591-A-T.
Other names: short protein forms S468C.
Identifiers: ClinVar variation 2768022 (VCV002768022.3), dbSNP rs2485209684, ClinGen allele CA369134631.